The following is an entry in ClinVar:

ClinVar aggregate classification (germline): Conflicting classifications of pathogenicity. Review status: criteria provided, conflicting classifications (1 of 4 stars). 2 submissions from 2 submitters: Uncertain significance (1); Likely benign (1). Last evaluated 2025-05-07.

gnomAD v4.1: 115 of 1,613,866 alleles (0.0071%); highest among the groups gnomAD compares: South Asian, 0.041%; 2 homozygotes.

Submissions (2):

Labcorp Genetics (formerly Invitae), Labcorp
Classification: Uncertain significance. Last evaluated: 2025-05-07. Review status: criteria provided, single submitter. Criteria: Invitae Variant Classification Sherloc (09022015). Collection method: clinical testing. Allele origin: germline.
Comment: This sequence change replaces valine, which is neutral and non-polar, with isoleucine, which is neutral and non-polar, at codon 1138 of the SLIT2 protein (p.Val1138Ile). This variant is present in population databases (rs752006737, gnomAD 0.05%). This variant has not been reported in the literature in individuals affected with SLIT2-related conditions. An algorithm developed to predict the effect of missense changes on protein structure and function outputs the following: PolyPhen-2: "Benign". The isoleucine amino acid residue is found in multiple mammalian species, which suggests that this missense change does not adversely affect protein function. In summary, the available evidence is currently insufficient to determine the role of this variant in disease. Therefore, it has been classified as a Variant of Uncertain Significance.

Ambry Genetics
Classification: Likely benign. Last evaluated: 2025-03-28. Review status: criteria provided, single submitter. Criteria: Ambry Variant Classification Scheme 2023. Collection method: clinical testing. Allele origin: germline.

NM_004787.4(SLIT2):c.3412G>A (p.Val1138Ile)

Gene: SLIT2 (slit guidance ligand 2; plus strand). Cytogenetic location: 4p15.31.
Variant type: single nucleotide variant.
Coding change: c.3412G>A on transcript NM_004787.4 (MANE Select); coding-DNA position 3412, G replaced by A.
Protein change: p.Val1138Ile; replaces valine 1138 with isoleucine.
Molecular consequence: missense variant.
Genome position (GRCh38, 1-based): chr4:20,596,506, G>A. VCF-style: chr4-20596506-G-A. GRCh37 (hg19) VCF-style: chr4-20598129-G-A.
Other names: c.3400G>A, p.Val1134Ile (NM_001289135.3); c.3388G>A, p.Val1130Ile (NM_001289136.3); short protein forms V1130I, V1134I, V1138I.
Identifiers: ClinVar variation 3958161 (VCV003958161.2).
Genomic context (GRCh38, chr4:20,596,506, plus strand): 5'-GTCCTCCCTCGTACCAGCCCCTGTGATAATTTTGATTGTCAGAATGGAGCTCAGTGTATC[G>A]TCAGAATAAATGAGCCAATATGTCAGTGTTTGCCTGGCTATCAGGGAGAAAAGTGTGAAA-3'
Protein context (NP_004778.1, residues 1128-1148): FDCQNGAQCI[Val1138Ile]RINEPICQCL